The following is an entry in ClinVar:

NM_001165963.4(SCN1A):c.4256G>T (p.Gly1419Val)

Genes: SCN1A (sodium voltage-gated channel alpha subunit 1; minus strand), LOC102724058 (uncharacterized LOC102724058; plus strand). Cytogenetic location: 2q24.3.
Variant type: single nucleotide variant.
Coding change: c.4256G>T on transcript NM_001165963.4 (MANE Select); coding-DNA position 4256, G replaced by T.
Protein change: p.Gly1419Val; replaces glycine 1419 with valine.
Molecular consequence: missense variant. On other transcripts: non-coding transcript variant (1).
Genome position (GRCh38, 1-based): chr2:166,002,500, C>A on the plus strand (G>T on the coding strand, the complement: SCN1A is on the minus strand). VCF-style: chr2-166002500-C-A. GRCh37 (hg19) VCF-style: chr2-166859010-C-A.
Other names: c.1814G>T, p.Gly605Val (NM_001353961.2); c.4223G>T, p.Gly1408Val (NM_006920.6, NM_001353949.2, NM_001353950.2 and 2 more transcripts); c.4172G>T, p.Gly1391Val (NM_001165964.3, NM_001353957.2, NM_001353958.2); c.4256G>T, p.Gly1419Val (NM_001202435.3, NM_001353948.2); c.4220G>T, p.Gly1407Val (NM_001353954.2, NM_001353955.2); c.4169G>T, p.Gly1390Val (NM_001353960.2); c.4256G>T (NM_001165963.1); short protein forms G1390V, G1407V, G1408V, G1419V, G1391V, G605V.
Identifiers: ClinVar variation 1444800 (VCV001444800.11), dbSNP rs373547836, ClinGen allele CA59769709.

ClinVar aggregate classification (germline): Likely pathogenic. Review status: criteria provided, multiple submitters, no conflicts (2 of 4 stars). 2 submissions from 2 submitters: Likely pathogenic (2). Last evaluated 2026-05-22.

Conditions:
Early-infantile DEE. Also called: Early infantile epileptic encephalopathy with suppression bursts; Ohtahara syndrome; Early infantile epileptic encephalopathy. Identifiers: Orphanet 1934, MedGen C0393706, MONDO:0800491.

Allele frequency attached by ClinVar (database versions not stated): ESP Exome Variant Server 0.00008.

Submissions (2):

GeneDx
Classification: Likely pathogenic. Last evaluated: 2026-05-22. Review status: criteria provided, single submitter. Criteria: GeneDx Variant Classification Process June 2021. Collection method: clinical testing. Allele origin: germline.
Comment: Not observed at significant frequency in large population cohorts (gnomAD); In silico analysis supports that this missense variant has a deleterious effect on protein structure/function; Has not been previously published as pathogenic or benign to our knowledge

Labcorp Genetics (formerly Invitae), Labcorp
Classification: Likely pathogenic for Early-infantile DEE. Last evaluated: 2023-10-15. Review status: criteria provided, single submitter. Criteria: Invitae Variant Classification Sherloc (09022015). Collection method: clinical testing. Allele origin: germline.
Comment: This sequence change replaces glycine, which is neutral and non-polar, with valine, which is neutral and non-polar, at codon 1419 of the SCN1A protein (p.Gly1419Val). This variant is not present in population databases (gnomAD no frequency). This variant has not been reported in the literature in individuals affected with SCN1A-related conditions. ClinVar contains an entry for this variant (Variation ID: 1444800). Advanced modeling of protein sequence and biophysical properties (such as structural, functional, and spatial information, amino acid conservation, physicochemical variation, residue mobility, and thermodynamic stability) performed at Invitae indicates that this missense variant is expected to disrupt SCN1A protein function. This variant disrupts the p.Gly1419 amino acid residue in SCN1A. Other variant(s) that disrupt this residue have been determined to be pathogenic (Invitae). This suggests that this residue is clinically significant, and that variants that disrupt this residue are likely to be disease-causing. In summary, the currently available evidence indicates that the variant is pathogenic, but additional data are needed to prove that conclusively. Therefore, this variant has been classified as Likely Pathogenic.